The following is an entry in ClinVar:

ClinVar aggregate classification (germline): Uncertain significance (1 of 4 stars; one submission).

Conditions:
Neuroblastoma, susceptibility to, 3. Also called: ALK-Related Neuroblastic Tumor Susceptibility. Identifiers: Orphanet 635, MedGen C2751681, MONDO:0013083, OMIM 613014.

Submission:

Labcorp Genetics (formerly Invitae), Labcorp
Classification: Uncertain significance for Neuroblastoma, susceptibility to, 3. Last evaluated: 2025-12-08. Review status: criteria provided, single submitter. Criteria: Invitae Variant Classification Sherloc (09022015). Collection method: clinical testing. Allele origin: germline.
Comment: This sequence change replaces glutamic acid, which is acidic and polar, with glutamine, which is neutral and polar, at codon 549 of the ALK protein (p.Glu549Gln). This variant is not present in population databases (gnomAD no frequency). This variant has not been reported in the literature in individuals affected with ALK-related conditions. An algorithm developed to predict the effect of missense changes on protein structure and function outputs the following: PolyPhen-2: "Benign". The glutamine amino acid residue is found in multiple mammalian species, which suggests that this missense change does not adversely affect protein function. In summary, the available evidence is currently insufficient to determine the role of this variant in disease. Therefore, it has been classified as a Variant of Uncertain Significance.

NM_004304.5(ALK):c.1645G>C (p.Glu549Gln)

Gene: ALK (ALK receptor tyrosine kinase; minus strand). Cytogenetic location: 2p23.2.
Variant type: single nucleotide variant.
Coding change: c.1645G>C on transcript NM_004304.5 (MANE Select); coding-DNA position 1645, G replaced by C.
Protein change: p.Glu549Gln; replaces glutamic acid 549 with glutamine.
Molecular consequence: missense variant.
Genome position (GRCh38, 1-based): chr2:29,318,306, C>G on the plus strand (G>C on the coding strand, the complement: ALK is on the minus strand). VCF-style: chr2-29318306-C-G. GRCh37 (hg19) VCF-style: chr2-29541172-C-G.
Other names: short protein forms E549Q.
Identifiers: ClinVar variation 4732680 (VCV004732680.1).